The following is an entry in ClinVar:

NM_001377.3(DYNC2H1):c.11650-220A>G

Gene: DYNC2H1 (dynein cytoplasmic 2 heavy chain 1; plus strand). Cytogenetic location: 11q22.3.
Variant type: single nucleotide variant.
Coding change: c.11650-220A>G on transcript NM_001377.3 (MANE Select); 220 bases into the intron before coding-DNA position 11650, A replaced by G.
Molecular consequence: intron variant.
Genome position (GRCh38, 1-based): chr11:103,316,325, A>G. VCF-style: chr11-103316325-A-G. GRCh37 (hg19) VCF-style: chr11-103187054-A-G.
Other names: c.11671-220A>G (NM_001080463.2).
Identifiers: ClinVar variation 667779 (VCV000667779.1), dbSNP rs12283450, ClinGen allele CA227431342.

ClinVar aggregate classification (germline): Benign (1 of 4 stars; one submission).

Allele frequency attached by ClinVar (database versions not stated): gnomAD 0.16584 and 0.16673; 1000 Genomes Project 0.16953; 1000 Genomes Project 30x 0.17333; TOPMed 0.17837.
gnomAD v4.1: 25,196 of 151,876 alleles (17%); highest among the groups gnomAD compares: Admixed American, 25%; 2,275 homozygotes.

Submission:

GeneDx
Classification: Benign. Last evaluated: 2018-06-14. Review status: criteria provided, single submitter. Criteria: GeneDx Variant Classification (06012015). Collection method: clinical testing. Allele origin: germline. Affected: yes.
Comment: This variant is considered likely benign or benign based on one or more of the following criteria: it is a conservative change, it occurs at a poorly conserved position in the protein, it is predicted to be benign by multiple in silico algorithms, and/or has population frequency not consistent with disease.